The following is an entry in ClinVar:

NM_000135.4(FANCA):c.3374C>T (p.Ala1125Val)

Genes: FANCA (FA complementation group A; minus strand), LOC132090450 (Neanderthal introgressed variant-containing enhancer experimental_46718; plus strand). Cytogenetic location: 16q24.3.
Variant type: single nucleotide variant.
Coding change: c.3374C>T on transcript NM_000135.4 (MANE Select); coding-DNA position 3374, C replaced by T.
Protein change: p.Ala1125Val; replaces alanine 1125 with valine.
Molecular consequence: missense variant.
Genome position (GRCh38, 1-based): chr16:89,746,865, G>A on the plus strand (C>T on the coding strand, the complement: FANCA is on the minus strand). VCF-style: chr16-89746865-G-A. GRCh37 (hg19) VCF-style: chr16-89813273-G-A.
Other names: c.3374C>T, p.Ala1125Val (NM_001286167.3); short protein forms A1125V.
Identifiers: ClinVar variation 3848053 (VCV003848053.1).

ClinVar aggregate classification (germline): Uncertain significance (1 of 4 stars; one submission).

Conditions:
Inborn genetic diseases. Identifiers: MedGen C0950123, MeSH D030342.

gnomAD v4.1: 2 of 1,560,970 alleles (0.00013%); highest among the groups gnomAD compares: Non-Finnish European, 0.00017%; no homozygotes.

Submission:

Ambry Genetics
Classification: Uncertain significance for Inborn genetic diseases. Last evaluated: 2024-12-22. Review status: criteria provided, single submitter. Criteria: Ambry Variant Classification Scheme 2023. Collection method: clinical testing. Allele origin: germline.
Comment: The p.A1125V variant (also known as c.3374C>T), located in coding exon 34 of the FANCA gene, results from a C to T substitution at nucleotide position 3374. The alanine at codon 1125 is replaced by valine, an amino acid with similar properties. This amino acid position is conserved. In addition, the in silico prediction for this alteration is inconclusive. Based on the available evidence, the clinical significance of this variant remains unclear.